The following is an entry in ClinVar:

ClinVar aggregate classification (germline): Conflicting classifications of pathogenicity. Review status: criteria provided, conflicting classifications (1 of 4 stars). 5 submissions from 5 submitters: Uncertain significance (4); Likely benign (1). Last evaluated 2025-08-13.

Conditions:
Cardiovascular phenotype. Identifiers: MedGen CN230736.
Hereditary cancer-predisposing syndrome. Also called: Hereditary neoplastic syndrome; Neoplastic Syndromes, Hereditary; Tumor predisposition; Hereditary Cancer Syndrome. Identifiers: Orphanet 140162, MedGen C0027672, MeSH D009386, MONDO:0015356.
Juvenile myelomonocytic leukemia (JMML). Also called: LEUKEMIA, JUVENILE MYELOMONOCYTIC, SOMATIC. Identifiers: Orphanet 86834, MedGen C0349639, MONDO:0011908, OMIM 607785, HP:0012209.
Neurofibromatosis, type 1 (NF1). Also called: VON RECKLINGHAUSEN DISEASE; Peripheral type neurofibromatosis; NEUROFIBROMATOSIS, TYPE I, SOMATIC; Neurofibromatosis, type I. Identifiers: Orphanet 636, MedGen C0027831, MONDO:0018975, OMIM 162200. Disease mechanism: loss of function.

Allele frequency attached by ClinVar (database versions not stated): gnomAD exomes below 0.00001; TOPMed 0.00001.
gnomAD v4.1: 1 of 1,613,710 alleles (0.000062%); highest among the groups gnomAD compares: Non-Finnish European, 0.000085%; no homozygotes.

Submissions (5):

Labcorp Genetics (formerly Invitae), Labcorp
Classification: Likely benign for Neurofibromatosis, type 1. Last evaluated: 2025-08-13. Review status: criteria provided, single submitter. Criteria: Invitae Variant Classification Sherloc (09022015). Collection method: clinical testing. Allele origin: germline.

Ambry Genetics
Classification: Uncertain significance for Cardiovascular phenotype; Hereditary cancer-predisposing syndrome. Last evaluated: 2023-12-09. Review status: criteria provided, single submitter. Criteria: Ambry Variant Classification Scheme 2023. Collection method: clinical testing. Allele origin: germline.
Comment: The p.A1881V variant (also known as c.5642C>T), located in coding exon 38 of the NF1 gene, results from a C to T substitution at nucleotide position 5642. The alanine at codon 1881 is replaced by valine, an amino acid with similar properties. This amino acid position is highly conserved in available vertebrate species. In addition, this alteration is predicted to be deleterious by in silico analysis. Since supporting evidence is limited at this time, the clinical significance of this alteration remains unclear.

Baylor Genetics
Classification: Uncertain significance for Juvenile myelomonocytic leukemia. Last evaluated: 2023-11-29. Review status: criteria provided, single submitter. Criteria: ACMG Guidelines, 2015. Collection method: clinical testing. Allele origin: unknown.

GeneDx
Classification: Uncertain significance. Last evaluated: 2023-10-09. Review status: criteria provided, single submitter. Criteria: GeneDx Variant Classification Process June 2021. Collection method: clinical testing. Allele origin: germline. Affected: yes.
Comment: Not observed at significant frequency in large population cohorts (gnomAD); In silico analysis supports that this missense variant has a deleterious effect on protein structure/function; Has not been previously published as pathogenic or benign to our knowledge

Genome-Nilou Lab
Classification: Uncertain significance for Neurofibromatosis, type 1. Last evaluated: 2022-03-15. Review status: criteria provided, single submitter. Criteria: ACMG Guidelines, 2015. Collection method: clinical testing. Allele origin: germline. Affected: no.

NM_001042492.3(NF1):c.5705C>T (p.Ala1902Val)

Gene: NF1 (neurofibromin 1; plus strand). Cytogenetic location: 17q11.2.
Variant type: single nucleotide variant.
Coding change: c.5705C>T on transcript NM_001042492.3 (MANE Select); coding-DNA position 5705, C replaced by T.
Protein change: p.Ala1902Val; replaces alanine 1902 with valine.
Molecular consequence: missense variant.
Genome position (GRCh38, 1-based): chr17:31,330,391, C>T. VCF-style: chr17-31330391-C-T. GRCh37 (hg19) VCF-style: chr17-29657409-C-T.
Other names: c.5642C>T, p.Ala1881Val (NM_000267.4); short protein forms A1902V, A1881V.
Identifiers: ClinVar variation 484077 (VCV000484077.16), dbSNP rs1465309384, ClinGen allele CA399010297.
Genomic context (GRCh38, chr17:31,330,391, plus strand): 5'-GTACCTTTAATTTAAAAATCGAGGGCCAGTTACTAGAGACATCAGGTTTATGTATCCCTG[C>T]CAACAACACCCTCTTTATTGTCTCTATTAGTAAGACACTGGCAGCCAATGAGCCACACCT-3'
Protein context (NP_001035957.1, residues 1892-1912): LLETSGLCIP[Ala1902Val]NNTLFIVSIS